The following is an entry in ClinVar:

NM_181486.4(TBX5):c.382G>A (p.Glu128Lys)

Gene: TBX5 (T-box transcription factor 5; minus strand). Cytogenetic location: 12q24.21.
Variant type: single nucleotide variant.
Coding change: c.382G>A on transcript NM_181486.4 (MANE Select); coding-DNA position 382, G replaced by A.
Protein change: p.Glu128Lys; replaces glutamic acid 128 with lysine.
Molecular consequence: missense variant.
Genome position (GRCh38, 1-based): chr12:114,398,701, C>T on the plus strand (G>A on the coding strand, the complement: TBX5 is on the minus strand). VCF-style: chr12-114398701-C-T. GRCh37 (hg19) VCF-style: chr12-114836506-C-T.
Other names: c.382G>A, p.Glu128Lys (NM_000192.3); c.232G>A, p.Glu78Lys (NM_080717.4); short protein forms E128K, E78K.
Identifiers: ClinVar variation 2632774 (VCV002632774.1), dbSNP rs2540471673, ClinGen allele CA386862217.

ClinVar aggregate classification (germline): Uncertain significance (1 of 4 stars; one submission).

Conditions:
TBX5-related disorder. Also called: TBX5-related condition.

Submission:

PreventionGenetics, part of Exact Sciences
Classification: Uncertain significance for TBX5-related condition. Last evaluated: 2023-05-04. Review status: criteria provided, single submitter. Criteria: ACMG Guidelines, 2015. Collection method: clinical testing. Allele origin: germline.
Comment: The TBX5 c.382G>A variant is predicted to result in the amino acid substitution p.Glu128Lys. To our knowledge, this variant has not been reported in the literature or in a large population database, indicating this variant is rare. At this time, the clinical significance of this variant is uncertain due to the absence of conclusive functional and genetic evidence.